The following is an entry in ClinVar:

ClinVar aggregate classification (germline): Uncertain significance (1 of 4 stars; one submission).

Conditions:
Dilated cardiomyopathy 1G (CMD1G). Identifiers: Orphanet 154, MedGen C1858763, MONDO:0011400, OMIM 604145.
Autosomal recessive limb-girdle muscular dystrophy type 2J (LGMDR10). Also called: MUSCULAR DYSTROPHY, LIMB-GIRDLE, AUTOSOMAL RECESSIVE 10; Limb-girdle muscular dystrophy, type 2J. Identifiers: Orphanet 140922, MedGen C1837342, MONDO:0012127, OMIM 608807.

Allele frequency attached by ClinVar (database versions not stated): TOPMed below 0.00001.

Submission:

Labcorp Genetics (formerly Invitae), Labcorp
Classification: Uncertain significance for Dilated cardiomyopathy 1G; Autosomal recessive limb-girdle muscular dystrophy type 2J. Last evaluated: 2024-02-24. Review status: criteria provided, single submitter. Criteria: Invitae Variant Classification Sherloc (09022015). Collection method: clinical testing. Allele origin: germline.
Comment: This sequence change replaces glutamic acid, which is acidic and polar, with aspartic acid, which is acidic and polar, at codon 35948 of the TTN protein (p.Glu35948Asp). This variant is not present in population databases (gnomAD no frequency). This variant has not been reported in the literature in individuals affected with TTN-related conditions. ClinVar contains an entry for this variant (Variation ID: 1956012). Experimental studies and prediction algorithms are not available or were not evaluated, and the functional significance of this variant is currently unknown. This variant is located in the M band of TTN (PMID: 25589632). Non-truncating variants in this region may be relevant for neuromuscular disorders, but have not been definitively shown to cause cardiomyopathy (PMID: 23975875). In summary, the available evidence is currently insufficient to determine the role of this variant in disease. Therefore, it has been classified as a Variant of Uncertain Significance.

Literature cited by the submitters: PubMed 25589632; PubMed 23975875.

NM_001267550.2(TTN):c.107844A>C (p.Glu35948Asp)

Genes: TTN (titin; minus strand), TTN-AS1 (TTN antisense RNA 1; plus strand). Cytogenetic location: 2q31.2.
Variant type: single nucleotide variant.
Coding change: c.107844A>C on transcript NM_001267550.2 (MANE Select); coding-DNA position 107844, A replaced by C.
Protein change: p.Glu35948Asp; replaces glutamic acid 35948 with aspartic acid.
Molecular consequence: missense variant.
Genome position (GRCh38, 1-based): chr2:178,527,144, T>G on the plus strand (A>C on the coding strand, the complement: TTN is on the minus strand). VCF-style: chr2-178527144-T-G. GRCh37 (hg19) VCF-style: chr2-179391871-T-G.
Other names: c.102921A>C, p.Glu34307Asp (NM_001256850.1); c.80649A>C, p.Glu26883Asp (NM_003319.4); c.100140A>C, p.Glu33380Asp (NM_133378.4); c.81024A>C, p.Glu27008Asp (NM_133432.3); c.81225A>C, p.Glu27075Asp (NM_133437.4); short protein forms E27075D, E33380D, E26883D, E27008D, E34307D, E35948D.
Identifiers: ClinVar variation 1956012 (VCV001956012.5), dbSNP rs1009159390, ClinGen allele CA60948707.
Genomic context (GRCh38, chr2:178,527,144, plus strand): 5'-AAGTCCACCATCTTGTTTCTGTACGTCCATGATGATCAGGGTTGTCAGGTCATCTGTGTT[T>G]TCAATGTGGAACCTCCCCTGTTCTTGACTGTGGATTTTTCTTCCACCACAGGACCATGTT-3'
Protein context (NP_001254479.2, residues 35938-35958): HSQEQGRFHI[Glu35948Asp]NTDDLTTLII